The following is an entry in ClinVar:

ClinVar aggregate classification (germline): Uncertain significance. Review status: criteria provided, multiple submitters, no conflicts (2 of 4 stars). 2 submissions from 2 submitters: Uncertain significance (2). Last evaluated 2026-05-26.

Conditions:
LRP5-related disorder. Also called: LRP5-related condition.

Allele frequency attached by ClinVar (database versions not stated): TOPMed below 0.00001.

Submissions (2):

PreventionGenetics, part of Exact Sciences
Classification: Uncertain significance for LRP5-related condition. Last evaluated: 2026-05-26. Review status: criteria provided, single submitter. Criteria: ACMG Guidelines, 2015. Collection method: clinical testing. Allele origin: germline.
Comment: The LRP5 c.510G>T variant is predicted to result in the amino acid substitution p.Trp170Cys. To our knowledge, this variant has not been reported in the literature or in a large population database (gnomAD), indicating this variant is rare. At this time, the clinical significance of this variant is uncertain due to the absence of conclusive functional and genetic evidence.

Labcorp Genetics (formerly Invitae), Labcorp
Classification: Uncertain significance. Last evaluated: 2022-02-28. Review status: criteria provided, single submitter. Criteria: Invitae Variant Classification Sherloc (09022015). Collection method: clinical testing. Allele origin: germline.
Comment: In summary, the available evidence is currently insufficient to determine the role of this variant in disease. Therefore, it has been classified as a Variant of Uncertain Significance. Advanced modeling of protein sequence and biophysical properties (such as structural, functional, and spatial information, amino acid conservation, physicochemical variation, residue mobility, and thermodynamic stability) performed at Invitae indicates that this missense variant is expected to disrupt LRP5 protein function. This variant has not been reported in the literature in individuals affected with LRP5-related conditions. This variant is not present in population databases (gnomAD no frequency). This sequence change replaces tryptophan, which is neutral and slightly polar, with cysteine, which is neutral and slightly polar, at codon 170 of the LRP5 protein (p.Trp170Cys).

NM_002335.4(LRP5):c.510G>T (p.Trp170Cys)

Gene: LRP5 (LDL receptor related protein 5; plus strand). Cytogenetic location: 11q13.2.
Variant type: single nucleotide variant.
Coding change: c.510G>T on transcript NM_002335.4 (MANE Select); coding-DNA position 510, G replaced by T.
Protein change: p.Trp170Cys; replaces tryptophan 170 with cysteine.
Molecular consequence: missense variant. On other transcripts: 5 prime UTR variant (1).
Genome position (GRCh38, 1-based): chr11:68,357,671, G>T. VCF-style: chr11-68357671-G-T. GRCh37 (hg19) VCF-style: chr11-68125139-G-T.
Other names: c.-1256G>T (NM_001291902.2); c.510G>T (NM_002335.3); short protein forms W170C.
Identifiers: ClinVar variation 1982111 (VCV001982111.5), dbSNP rs1330924801, ClinGen allele CA381611680.